The following is an entry in ClinVar:

NM_005901.6(SMAD2):c.579G>A (p.Leu193=)

Gene: SMAD2 (SMAD family member 2; minus strand). Cytogenetic location: 18q21.1.
Variant type: single nucleotide variant.
Coding change: c.579G>A on transcript NM_005901.6 (MANE Select); coding-DNA position 579, G replaced by A.
Protein change: p.Leu193=; no amino-acid change (leucine 193 retained).
Molecular consequence: synonymous variant.
Genome position (GRCh38, 1-based): chr18:47,868,399, C>T on the plus strand (G>A on the coding strand, the complement: SMAD2 is on the minus strand). VCF-style: chr18-47868399-C-T. GRCh37 (hg19) VCF-style: chr18-45394770-C-T.
Other names: c.579G>A, p.Leu193= (NM_001003652.4); c.489G>A, p.Leu163= (NM_001135937.3).
Identifiers: ClinVar variation 1196030 (VCV001196030.21), dbSNP rs200480021, ClinGen allele CA8956226.

ClinVar aggregate classification (germline): Conflicting classifications of pathogenicity. Review status: criteria provided, conflicting classifications (1 of 4 stars). 9 submissions from 9 submitters: Uncertain significance (1); Benign (1); Likely benign (6). 1 of the submissions does not count toward it. Last evaluated 2025-12-24.

Conditions:
Inborn genetic diseases. Identifiers: MedGen C0950123, MeSH D030342.
SMAD2-related disorder. Also called: SMAD2-related condition; SMAD2-related disorders.

Allele frequency attached by ClinVar (database versions not stated): gnomAD exomes 0.00008 and 0.00013; ExAC 0.00010.
gnomAD v4.1: 127 of 1,610,460 alleles (0.0079%); highest among the groups gnomAD compares: Middle Eastern, 0.35%; 1 homozygote.

Submissions (9):

Labcorp Genetics (formerly Invitae), Labcorp
Classification: Likely benign. Last evaluated: 2025-12-24. Review status: criteria provided, single submitter. Criteria: Invitae Variant Classification Sherloc (09022015). Collection method: clinical testing. Allele origin: germline.

Women's Health and Genetics/Laboratory Corporation of America, LabCorp
Classification: Benign. Last evaluated: 2025-12-05. Review status: criteria provided, single submitter. Criteria: LabCorp Variant Classification Summary - May 2015. Collection method: clinical testing. Allele origin: germline.

ARUP Laboratories, Molecular Genetics and Genomics, ARUP Laboratories
Classification: Likely benign. Last evaluated: 2025-07-02. Review status: criteria provided, single submitter. Criteria: ARUP Molecular Germline Variant Investigation Process 2024. Collection method: clinical testing. Allele origin: germline.

Blueprint Genetics
Classification: Likely benign. Last evaluated: 2024-09-27. Review status: criteria provided, single submitter. Criteria: ACMG Guidelines, 2015. Collection method: clinical testing. Allele origin: germline.

Ambry Genetics
Classification: Likely benign for Inborn genetic diseases. Last evaluated: 2022-05-27. Review status: criteria provided, single submitter. Criteria: Ambry Variant Classification Scheme 2023. Collection method: clinical testing. Allele origin: germline.

Revvity Omics, Revvity
Classification: Uncertain significance. Last evaluated: 2022-02-23. Review status: criteria provided, single submitter. Criteria: ACMG Guidelines, 2015. Collection method: clinical testing. Allele origin: germline.

GeneDx
Classification: Likely benign. Last evaluated: 2021-03-02. Review status: criteria provided, single submitter. Criteria: GeneDx Variant Classification Process June 2021. Collection method: clinical testing. Allele origin: germline. Affected: yes.

Breakthrough Genomics
Classification: Likely benign. Review status: criteria provided, single submitter. Criteria: ACMG Guidelines, 2015. Collection method: not provided. Allele origin: germline. Inheritance: Autosomal dominant inheritance. Affected: yes.

PreventionGenetics, part of Exact Sciences
Classification: Likely benign for SMAD2-related condition. Last evaluated: 2024-09-12. Review status: no assertion criteria provided. Collection method: clinical testing. Allele origin: germline. Not counted in ClinVar's aggregate classification.
Comment: This variant is classified as likely benign based on ACMG/AMP sequence variant interpretation guidelines (Richards et al. 2015 PMID: 25741868, with internal and published modifications).